The following is an entry in ClinVar:

ClinVar aggregate classification (germline): Likely benign (0 of 4 stars; one submission).

Conditions:
MYOM2-related disorder. Also called: MYOM2-related condition.

Allele frequency attached by ClinVar (database versions not stated): gnomAD exomes 0.00019; ExAC 0.00070; 1000 Genomes Project 30x 0.00172; 1000 Genomes Project 0.00180; gnomAD 0.00210; ESP Exome Variant Server 0.00223; TOPMed 0.00232.
gnomAD v4.1: 604 of 1,613,942 alleles (0.037%); highest among the groups gnomAD compares: African/African-American, 0.74%; 2 homozygotes.

Submission:

PreventionGenetics, part of Exact Sciences
Classification: Likely benign for MYOM2-related condition. Last evaluated: 2020-02-26. Review status: no assertion criteria provided. Collection method: clinical testing. Allele origin: germline.
Comment: This variant is classified as likely benign based on ACMG/AMP sequence variant interpretation guidelines (Richards et al. 2015 PMID: 25741868, with internal and published modifications).

NM_003970.4(MYOM2):c.1802C>A (p.Ser601Tyr)

Gene: MYOM2 (myomesin 2; plus strand). Cytogenetic location: 8p23.3.
Variant type: single nucleotide variant.
Coding change: c.1802C>A on transcript NM_003970.4 (MANE Select); coding-DNA position 1802, C replaced by A.
Protein change: p.Ser601Tyr; replaces serine 601 with tyrosine.
Molecular consequence: missense variant.
Genome position (GRCh38, 1-based): chr8:2,090,165, C>A. VCF-style: chr8-2090165-C-A. GRCh37 (hg19) VCF-style: chr8-2037988-C-A.
Other names: short protein forms S601Y.
Identifiers: ClinVar variation 3048516 (VCV003048516.2), dbSNP rs36089594, ClinGen allele CA170455085.